The following is an entry in ClinVar:

NM_001367721.1(CASK):c.1400A>G (p.Tyr467Cys)

Gene: CASK (calcium/calmodulin dependent serine protein kinase; minus strand). Cytogenetic location: Xp11.4.
Variant type: single nucleotide variant.
Coding change: c.1400A>G on transcript NM_001367721.1 (MANE Select); coding-DNA position 1400, A replaced by G.
Protein change: p.Tyr467Cys; replaces tyrosine 467 with cysteine.
Molecular consequence: missense variant.
Genome position (GRCh38, 1-based): chrX:41,578,443, T>C on the plus strand (A>G on the coding strand, the complement: CASK is on the minus strand). VCF-style: chrX-41578443-T-C. GRCh37 (hg19) VCF-style: chrX-41437696-T-C.
Other names: c.1400A>G, p.Tyr467Cys (NM_001126054.3, NM_003688.4); c.1382A>G, p.Tyr461Cys (NM_001126055.3, NM_001410745.1); short protein forms Y461C, Y467C.
Identifiers: ClinVar variation 3485094 (VCV003485094.1).

ClinVar aggregate classification (germline): Uncertain significance (1 of 4 stars; one submission).

Conditions:
Inborn genetic diseases. Identifiers: MedGen C0950123, MeSH D030342.

Submission:

Ambry Genetics
Classification: Uncertain significance for Inborn genetic diseases. Last evaluated: 2024-06-26. Review status: criteria provided, single submitter. Criteria: Ambry Variant Classification Scheme 2023. Collection method: clinical testing. Allele origin: germline.
Comment: The c.1400A>G (p.Y467C) alteration is located in exon 15 (coding exon 15) of the CASK gene. This alteration results from an A to G substitution at nucleotide position 1400, causing the tyrosine (Y) at amino acid position 467 to be replaced by a cysteine (C). This variant was not reported in population-based cohorts in the Genome Aggregation Database (gnomAD). This amino acid position is highly conserved in available vertebrate species. This alteration is predicted to be deleterious by in silico analysis. Based on insufficient or conflicting evidence, the clinical significance of this alteration remains unclear.